The following is an entry in ClinVar:

ClinVar aggregate classification (germline): Uncertain significance. Review status: criteria provided, multiple submitters, no conflicts (2 of 4 stars). 2 submissions from 2 submitters: Uncertain significance (2). Last evaluated 2025-01-23.

Conditions:
Epilepsy, familial focal, with variable foci 3 (FFEVF3). Identifiers: MedGen C4310708, MONDO:0014925, OMIM 617118.
Inborn genetic diseases. Identifiers: MedGen C0950123, MeSH D030342.

Allele frequency attached by ClinVar (database versions not stated): gnomAD exomes 0.00001; TOPMed 0.00002.
gnomAD v4.1: 5 of 1,613,736 alleles (0.00031%); highest among the groups gnomAD compares: African/African-American, 0.0067%; no homozygotes.

Submissions (2):

Ambry Genetics
Classification: Uncertain significance for Inborn genetic diseases. Last evaluated: 2025-01-23. Review status: criteria provided, single submitter. Criteria: Ambry Variant Classification Scheme 2023. Collection method: clinical testing. Allele origin: germline.

Labcorp Genetics (formerly Invitae), Labcorp
Classification: Uncertain significance for Epilepsy, familial focal, with variable foci 3. Last evaluated: 2024-12-16. Review status: criteria provided, single submitter. Criteria: Invitae Variant Classification Sherloc (09022015). Collection method: clinical testing. Allele origin: germline.
Comment: This sequence change replaces phenylalanine, which is neutral and non-polar, with leucine, which is neutral and non-polar, at codon 356 of the NPRL3 protein (p.Phe356Leu). This variant is present in population databases (no rsID available, gnomAD 0.01%). This variant has not been reported in the literature in individuals affected with NPRL3-related conditions. ClinVar contains an entry for this variant (Variation ID: 1472394). Invitae Evidence Modeling of protein sequence and biophysical properties (such as structural, functional, and spatial information, amino acid conservation, physicochemical variation, residue mobility, and thermodynamic stability) indicates that this missense variant is expected to disrupt NPRL3 protein function with a positive predictive value of 80%. In summary, the available evidence is currently insufficient to determine the role of this variant in disease. Therefore, it has been classified as a Variant of Uncertain Significance.

NM_001077350.3(NPRL3):c.1068C>G (p.Phe356Leu)

Genes: HBA-LCR (alpha-globin locus control region; plus strand), NPRL3 (NPR3 like, GATOR1 complex subunit; minus strand). Cytogenetic location: 16p13.3.
Variant type: single nucleotide variant.
Coding change: c.1068C>G on transcript NM_001077350.3 (MANE Select); coding-DNA position 1068, C replaced by G.
Protein change: p.Phe356Leu; replaces phenylalanine 356 with leucine.
Molecular consequence: missense variant.
Genome position (GRCh38, 1-based): chr16:92,689, G>C on the plus strand (C>G on the coding strand, the complement: NPRL3 is on the minus strand). VCF-style: chr16-92689-G-C. GRCh37 (hg19) VCF-style: chr16-142687-G-C.
Other names: c.531C>G, p.Phe177Leu (NM_001039476.3); c.834C>G, p.Phe278Leu (NM_001243247.2); c.993C>G, p.Phe331Leu (NM_001243248.2, NM_001243249.2); c.1068C>G (NM_001077350.2); short protein forms F331L, F177L, F278L, F356L.
Identifiers: ClinVar variation 1472394 (VCV001472394.7), dbSNP rs1229321872, ClinGen allele CA394053115.